The following is an entry in ClinVar:

ClinVar aggregate classification (germline): Uncertain significance (1 of 4 stars; one submission).

Allele frequency attached by ClinVar (database versions not stated): gnomAD exomes below 0.00001.

Submission:

Labcorp Genetics (formerly Invitae), Labcorp
Classification: Uncertain significance. Last evaluated: 2022-08-08. Review status: criteria provided, single submitter. Criteria: Invitae Variant Classification Sherloc (09022015). Collection method: clinical testing. Allele origin: germline.
Comment: In summary, the available evidence is currently insufficient to determine the role of this variant in disease. Therefore, it has been classified as a Variant of Uncertain Significance. This variant is not present in population databases (gnomAD no frequency). This sequence change falls in intron 1 of the COL9A2 gene. It does not directly change the encoded amino acid sequence of the COL9A2 protein. It affects a nucleotide within the consensus splice site. This variant has not been reported in the literature in individuals affected with COL9A2-related conditions. ClinVar contains an entry for this variant (Variation ID: 1375737). Variants that disrupt the consensus splice site are a relatively common cause of aberrant splicing (PMID: 17576681, 9536098). Algorithms developed to predict the effect of sequence changes on RNA splicing suggest that this variant may disrupt the consensus splice site.

Literature cited by the submitters: PubMed 17576681; PubMed 9536098.

NM_001852.4(COL9A2):c.75+2dup

Gene: COL9A2 (collagen type IX alpha 2 chain; minus strand). Cytogenetic location: 1p34.2.
Variant type: Duplication.
Coding change: c.75+2dup on transcript NM_001852.4 (MANE Select); the canonical splice donor site of the intron after coding-DNA position 75, one base duplicated (T; older notation c.75+2dupT).
Molecular consequence: splice donor variant.
Genome position (GRCh38, 1-based): chr1:40,317,121, A duplicated on the plus strand (T on the coding strand, the reverse complement: COL9A2 is on the minus strand). VCF-style (leftmost placement, unchanged base first): chr1-40317120-T-TA. GRCh37 (hg19) VCF-style: chr1-40782792-T-TA.
Identifiers: ClinVar variation 1375737 (VCV001375737.6), dbSNP rs2124112502, ClinGen allele CA2573132340.